The following is an entry in ClinVar:

ClinVar aggregate classification (germline): Uncertain significance (1 of 4 stars; one submission).

Allele frequency attached by ClinVar (database versions not stated): gnomAD exomes below 0.00001.
gnomAD v4.1: 1 of 1,613,916 alleles (0.000062%); highest among the groups gnomAD compares: South Asian, 0.0011%; no homozygotes.

Submission:

Labcorp Genetics (formerly Invitae), Labcorp
Classification: Uncertain significance. Last evaluated: 2022-12-06. Review status: criteria provided, single submitter. Criteria: Invitae Variant Classification Sherloc (09022015). Collection method: clinical testing. Allele origin: germline.
Comment: This sequence change replaces proline, which is neutral and non-polar, with leucine, which is neutral and non-polar, at codon 661 of the LAMC3 protein (p.Pro661Leu). This variant is present in population databases (no rsID available, gnomAD 0.003%). This variant has not been reported in the literature in individuals affected with LAMC3-related conditions. Algorithms developed to predict the effect of missense changes on protein structure and function (SIFT, PolyPhen-2, Align-GVGD) all suggest that this variant is likely to be tolerated. In summary, the available evidence is currently insufficient to determine the role of this variant in disease. Therefore, it has been classified as a Variant of Uncertain Significance.

NM_006059.4(LAMC3):c.1982C>T (p.Pro661Leu)

Gene: LAMC3 (laminin subunit gamma 3; plus strand). Cytogenetic location: 9q34.12.
Variant type: single nucleotide variant.
Coding change: c.1982C>T on transcript NM_006059.4 (MANE Select); coding-DNA position 1982, C replaced by T.
Protein change: p.Pro661Leu; replaces proline 661 with leucine.
Molecular consequence: missense variant.
Genome position (GRCh38, 1-based): chr9:131,056,971, C>T. VCF-style: chr9-131056971-C-T. GRCh37 (hg19) VCF-style: chr9-133932358-C-T.
Other names: short protein forms P661L.
Identifiers: ClinVar variation 1969845 (VCV001969845.5), dbSNP rs1168128328, ClinGen allele CA375265547.